The following is an entry in ClinVar:

NM_001267550.2(TTN):c.17303del (p.Asp5768fs)

Genes: TTN (titin; minus strand), LOC126806431 (CDK7 strongly-dependent group 2 enhancer GRCh37_chr2:179595719-179596918; plus strand). Cytogenetic location: 2q31.2.
Variant type: Deletion.
Coding change: c.17303del on transcript NM_001267550.2 (MANE Select); coding-DNA position 17303, one base deleted (A; older notation c.17303delA).
Protein change: p.Asp5768fs; shifts the reading frame from aspartic acid 5768.
Molecular consequence: frameshift variant. On other transcripts: intron variant (3).
Genome position (GRCh38, 1-based): chr2:178,731,463, T deleted on the plus strand (A on the coding strand, the reverse complement: TTN is on the minus strand). VCF-style (leftmost placement, unchanged base first): chr2-178731462-AT-A. GRCh37 (hg19) VCF-style: chr2-179596189-AT-A.
Other names: c.13571delA (NM_133378.4); c.16352del, p.Asp5451fs (NM_001256850.1); c.13571del, p.Asp4524fs (NM_133378.4); c.13282+6619del (NM_003319.4); c.13858+6619del (NM_133437.4); c.13657+6619del (NM_133432.3); short protein forms D4524fs, D5451fs, D5768fs.
Identifiers: ClinVar variation 2506096 (VCV002506096.3), dbSNP rs2530063503, ClinGen allele CA2577201221.

ClinVar aggregate classification (germline): Likely pathogenic (1 of 4 stars; one submission).

Conditions:
Autosomal recessive limb-girdle muscular dystrophy type 2J (LGMDR10). Also called: MUSCULAR DYSTROPHY, LIMB-GIRDLE, AUTOSOMAL RECESSIVE 10; Limb-girdle muscular dystrophy, type 2J. Identifiers: Orphanet 140922, MedGen C1837342, MONDO:0012127, OMIM 608807.

Submission:

Women's Health and Genetics/Laboratory Corporation of America, LabCorp
Classification: Likely pathogenic for Autosomal recessive limb-girdle muscular dystrophy type 2J. Last evaluated: 2025-01-16. Review status: criteria provided, single submitter. Criteria: LabCorp Variant Classification Summary - May 2015. Collection method: clinical testing. Allele origin: germline.
Comment: Variant summary: TTN c.13571delA (p.Asp4524ValfsX9) results in a premature termination codon, predicted to cause a truncation of the encoded protein or absence of the protein due to nonsense mediated decay, which are commonly known mechanisms for disease. Loss of function variants in all TTN bands are strongly associated with a spectrum of autosomal recessive titinopathies when exon expression (proportion spliced in, PSI, 1=complete expression) in skeletal muscle is >0.1 (PMID: 36977548, 39198997, 29598826, 32778822, 29691892, 33449170, 36977548, internal data). In contrast, loss of function variants in all TTN bands are only strongly associated with autosomal dominant TTN-related cardiomyopathies if located in exons constitutively expressed (PSI >0.9) in cardiac muscle, excluding extreme C-terminal exons 359-363 (PMID: 25589632, 31216868, 32964742, 34662387, 27869827, Shetty et al., Nat Cardiovasc Res 2024,, internal data). This variant has a maximum skeletal muscle PSI of 0.966 and a maximum cardiac muscle PSI of 0.248. The variant was absent in 248644 control chromosomes. To our knowledge, no occurrence of c.13571delA in individuals affected with TTN-related disorders and no experimental evidence demonstrating its impact on protein function have been reported. ClinVar contains an entry for this variant (Variation ID: 2506096). Based on the evidence outline above, the variant has been classified as likely pathogenic for autosomal recessive TTN-related conditions.